The following is an entry in ClinVar:

NM_024675.4(PALB2):c.525A>G (p.Arg175=)

Gene: PALB2 (partner and localizer of BRCA2; minus strand). Cytogenetic location: 16p12.2.
Variant type: single nucleotide variant.
Coding change: c.525A>G on transcript NM_024675.4 (MANE Select); coding-DNA position 525, A replaced by G.
Protein change: p.Arg175=; no amino-acid change (arginine 175 retained).
Molecular consequence: synonymous variant.
Genome position (GRCh38, 1-based): chr16:23,636,021, T>C on the plus strand (A>G on the coding strand, the complement: PALB2 is on the minus strand). VCF-style: chr16-23636021-T-C. GRCh37 (hg19) VCF-style: chr16-23647342-T-C.
Identifiers: ClinVar variation 461009 (VCV000461009.22), dbSNP rs1555461747, ClinGen allele CA494461841.

ClinVar aggregate classification (germline): Benign/Likely benign. Review status: criteria provided, multiple submitters, no conflicts (2 of 4 stars). 8 submissions from 8 submitters: Benign (1); Likely benign (7). Last evaluated 2025-12-29.

Conditions:
Hereditary cancer-predisposing syndrome. Also called: Neoplastic Syndromes, Hereditary; Hereditary Cancer Syndrome; Hereditary neoplastic syndrome; Tumor predisposition. Identifiers: Orphanet 140162, MedGen C0027672, MeSH D009386, MONDO:0015356.
Familial cancer of breast. Also called: BREAST CANCER, FAMILIAL; Hereditary breast cancer; hereditary breast carcinoma. Identifiers: Orphanet 227535, MedGen C0346153, MONDO:0016419, OMIM 114480. Disease mechanism: loss of function.

Allele frequency attached by ClinVar (database versions not stated): gnomAD exomes below 0.00001.
gnomAD v4.1: 2 of 1,614,168 alleles (0.00012%); highest among the groups gnomAD compares: East Asian, 0.0022%; no homozygotes.

Submissions (8):

Center for Genomic Medicine, Rigshospitalet, Copenhagen University Hospital
Classification: Likely benign. Last evaluated: 2025-12-29. Review status: criteria provided, single submitter. Criteria: ACMG Guidelines, 2015. Collection method: clinical testing. Allele origin: germline.
Comment: Classification criteria: BP4, BP7

Labcorp Genetics (formerly Invitae), Labcorp
Classification: Likely benign for Familial cancer of breast. Last evaluated: 2025-11-23. Review status: criteria provided, single submitter. Criteria: Invitae Variant Classification Sherloc (09022015). Collection method: clinical testing. Allele origin: germline.

Myriad Genetics, Inc.
Classification: Benign for Familial cancer of breast. Last evaluated: 2025-01-10. Review status: criteria provided, single submitter. Criteria: Myriad Autosomal Dominant, Autosomal Recessive and X-Linked Classification Criteria (2023). Collection method: clinical testing. Allele origin: unknown.
Comment: This variant is considered benign. This variant is a silent/synonymous amino acid change and it is not expected to impact splicing.

Women's Health and Genetics/Laboratory Corporation of America, LabCorp
Classification: Likely benign. Last evaluated: 2023-11-14. Review status: criteria provided, single submitter. Criteria: LabCorp Variant Classification Summary - May 2015. Collection method: clinical testing. Allele origin: germline.

Sema4
Classification: Likely benign for Hereditary cancer-predisposing syndrome. Last evaluated: 2022-01-12. Review status: criteria provided, single submitter. Criteria: Sema4 Curation Guidelines. Collection method: curation. Allele origin: germline.

GeneDx
Classification: Likely benign. Last evaluated: 2019-12-01. Review status: criteria provided, single submitter. Criteria: GeneDx Variant Classification Process June 2021. Collection method: clinical testing. Allele origin: germline. Affected: yes.

Color Diagnostics, LLC DBA Color Health
Classification: Likely benign for Hereditary cancer-predisposing syndrome. Last evaluated: 2018-09-10. Review status: criteria provided, single submitter. Criteria: ACMG Guidelines, 2015. Collection method: clinical testing. Allele origin: germline.

Ambry Genetics
Classification: Likely benign for Hereditary cancer-predisposing syndrome. Last evaluated: 2015-12-03. Review status: criteria provided, single submitter. Criteria: Ambry Variant Classification Scheme 2023. Collection method: clinical testing. Allele origin: germline.